The following is an entry in ClinVar:

NM_001009999.3(KDM1A):c.154C>T (p.Pro52Ser)

Gene: KDM1A (lysine demethylase 1A; plus strand). Cytogenetic location: 1p36.12.
Variant type: single nucleotide variant.
Coding change: c.154C>T on transcript NM_001009999.3 (MANE Select); coding-DNA position 154, C replaced by T.
Protein change: p.Pro52Ser; replaces proline 52 with serine.
Molecular consequence: missense variant.
Genome position (GRCh38, 1-based): chr1:23,019,750, C>T. VCF-style: chr1-23019750-C-T. GRCh37 (hg19) VCF-style: chr1-23346243-C-T.
Other names: c.154C>T, p.Pro52Ser (NM_001363654.2, NM_001410762.1, NM_001410763.1 and 1 more transcripts); c.154C>T (NM_001009999.2); short protein forms P52S.
Identifiers: ClinVar variation 1972826 (VCV001972826.7), dbSNP rs576500517, ClinGen allele CA679410.
Genomic context (GRCh38, chr1:23,019,750, plus strand): 5'-GAGAACGGGTCTGAGGTGGCCGCGCAGCCCGCGGGCCTGTCGGGCCCAGCCGAGGTCGGG[C>T]CGGGGGCGGTGGGGGAGCGCACACCCCGCAAGAAAGAGCCTCCGCGGGCCTCGCCCCCCG-3'
Protein context (NP_001009999.1, residues 42-62): AGLSGPAEVG[Pro52Ser]GAVGERTPRK

ClinVar aggregate classification (germline): Likely benign. Review status: criteria provided, single submitter (1 of 4 stars). 2 submissions from 2 submitters: Likely benign (1). 1 of the submissions does not count toward it. Last evaluated 2026-01-22.

Conditions:
KDM1A-related disorder. Also called: KDM1A-related condition.

Allele frequency attached by ClinVar (database versions not stated): TOPMed 0.00012; gnomAD 0.00007; 1000 Genomes Project 0.00060; 1000 Genomes Project 30x 0.00047.
gnomAD v4.1: 39 of 1,342,838 alleles (0.0029%); highest among the groups gnomAD compares: East Asian, 0.091%; no homozygotes.

Submissions (2):

Labcorp Genetics (formerly Invitae), Labcorp
Classification: Likely benign. Last evaluated: 2026-01-22. Review status: criteria provided, single submitter. Criteria: Invitae Variant Classification Sherloc (09022015). Collection method: clinical testing. Allele origin: germline.

PreventionGenetics, part of Exact Sciences
Classification: Likely benign for KDM1A-related condition. Last evaluated: 2020-03-16. Review status: no assertion criteria provided. Collection method: clinical testing. Allele origin: germline. Not counted in ClinVar's aggregate classification.
Comment: This variant is classified as likely benign based on ACMG/AMP sequence variant interpretation guidelines (Richards et al. 2015 PMID: 25741868, with internal and published modifications).